The following is an entry in ClinVar:

NM_000426.4(LAMA2):c.4698C>T (p.Arg1566=)

Gene: LAMA2 (laminin subunit alpha 2; plus strand). Cytogenetic location: 6q22.33.
Variant type: single nucleotide variant.
Coding change: c.4698C>T on transcript NM_000426.4 (MANE Select); coding-DNA position 4698, C replaced by T.
Protein change: p.Arg1566=; no amino-acid change (arginine 1566 retained).
Molecular consequence: synonymous variant.
Genome position (GRCh38, 1-based): chr6:129,353,338, C>T. VCF-style: chr6-129353338-C-T. GRCh37 (hg19) VCF-style: chr6-129674483-C-T.
Other names: c.4698C>T, p.Arg1566= (NM_001079823.2).
Identifiers: ClinVar variation 2049514 (VCV002049514.4), dbSNP rs1023751354, ClinGen allele CA146910311.

ClinVar aggregate classification (germline): Conflicting classifications of pathogenicity. Review status: criteria provided, conflicting classifications (1 of 4 stars). 2 submissions from 2 submitters: Uncertain significance (1); Likely benign (1). Last evaluated 2024-05-22.

Conditions:
LAMA2-related muscular dystrophy (LAMA2-RD). Also called: Laminin alpha 2-related dystrophy. Identifiers: MedGen C5679788, MONDO:0100228.

Allele frequency attached by ClinVar (database versions not stated): gnomAD 0.00001; TOPMed 0.00001.
gnomAD v4.1: 14 of 1,613,534 alleles (0.00087%); highest among the groups gnomAD compares: Middle Eastern, 0.016%; no homozygotes.

Submissions (2):

Labcorp Genetics (formerly Invitae), Labcorp
Classification: Uncertain significance for LAMA2-related muscular dystrophy. Last evaluated: 2024-05-22. Review status: criteria provided, single submitter. Criteria: Invitae Variant Classification Sherloc (09022015). Collection method: clinical testing. Allele origin: germline.
Comment: This sequence change affects codon 1566 of the LAMA2 mRNA. It is a 'silent' change, meaning that it does not change the encoded amino acid sequence of the LAMA2 protein. This variant is present in population databases (no rsID available, gnomAD 0.003%). This variant has not been reported in the literature in individuals affected with LAMA2-related conditions. ClinVar contains an entry for this variant (Variation ID: 2049514). Algorithms developed to predict the effect of sequence changes on RNA splicing suggest that this variant may disrupt the consensus splice site. In summary, the available evidence is currently insufficient to determine the role of this variant in disease. Therefore, it has been classified as a Variant of Uncertain Significance.

Blueprint Genetics
Classification: Likely benign. Last evaluated: 2018-07-23. Review status: criteria provided, single submitter. Criteria: ACMG Guidelines, 2015. Collection method: clinical testing. Allele origin: germline.